The following is an entry in ClinVar:

ClinVar aggregate classification (germline): Uncertain significance (1 of 4 stars; one submission).

Conditions:
Hereditary cancer-predisposing syndrome. Also called: Tumor predisposition; Hereditary Cancer Syndrome; Hereditary neoplastic syndrome; Neoplastic Syndromes, Hereditary. Identifiers: Orphanet 140162, MedGen C0027672, MeSH D009386, MONDO:0015356.

Submission:

Ambry Genetics
Classification: Uncertain significance for Hereditary cancer-predisposing syndrome. Last evaluated: 2023-07-23. Review status: criteria provided, single submitter. Criteria: Ambry Variant Classification Scheme 2023. Collection method: clinical testing. Allele origin: germline.
Comment: The p.Y245C variant (also known as c.734A>G), located in coding exon 1 of the MET gene, results from an A to G substitution at nucleotide position 734. The tyrosine at codon 245 is replaced by cysteine, an amino acid with highly dissimilar properties. This amino acid position is conserved. In addition, this alteration is predicted to be deleterious by in silico analysis. Since supporting evidence is limited at this time, the clinical significance of this alteration remains unclear.

NM_000245.4(MET):c.734A>G (p.Tyr245Cys)

Gene: MET (MET proto-oncogene, receptor tyrosine kinase; plus strand). Cytogenetic location: 7q31.2.
Variant type: single nucleotide variant.
Coding change: c.734A>G on transcript NM_000245.4 (MANE Select); coding-DNA position 734, A replaced by G.
Protein change: p.Tyr245Cys; replaces tyrosine 245 with cysteine.
Molecular consequence: missense variant. On other transcripts: intron variant (1).
Genome position (GRCh38, 1-based): chr7:116,699,818, A>G. VCF-style: chr7-116699818-A-G. GRCh37 (hg19) VCF-style: chr7-116339872-A-G.
Other names: c.734A>G, p.Tyr245Cys (NM_001127500.3, NM_001324401.3); c.-91+27241A>G (NM_001324402.2); short protein forms Y245C.
Identifiers: ClinVar variation 2587479 (VCV002587479.2), dbSNP rs2485512511, ClinGen allele CA368969731.
Genomic context (GRCh38, chr7:116,699,818, plus strand): 5'-GTTTTATGTTTTTGACGGACCAGTCCTACATTGATGTTTTACCTGAGTTCAGAGATTCTT[A>G]CCCCATTAAGTATGTCCATGCCTTTGAAAGCAACAATTTTATTTACTTCTTGACGGTCCA-3'
Protein context (NP_000236.2, residues 235-255): IDVLPEFRDS[Tyr245Cys]PIKYVHAFES